The following is an entry in ClinVar:

ClinVar aggregate classification (germline): Uncertain significance (1 of 4 stars; one submission).

Conditions:
Hereditary cancer-predisposing syndrome. Also called: Hereditary neoplastic syndrome; Neoplastic Syndromes, Hereditary; Tumor predisposition; Hereditary Cancer Syndrome. Identifiers: Orphanet 140162, MedGen C0027672, MeSH D009386, MONDO:0015356.

Submission:

Ambry Genetics
Classification: Uncertain significance for Hereditary cancer-predisposing syndrome. Last evaluated: 2025-08-27. Review status: criteria provided, single submitter. Criteria: Ambry Variant Classification Scheme 2023. Collection method: clinical testing. Allele origin: germline.
Comment: The p.A240S variant (also known as c.718G>T), located in coding exon 9 of the MUTYH gene, results from a G to T substitution at nucleotide position 718. The alanine at codon 240 is replaced by serine, an amino acid with similar properties. This amino acid position is conserved. In addition, this alteration is predicted to be tolerated by in silico analysis. Based on the available evidence, the clinical significance of this variant remains unclear.

NM_001048174.2(MUTYH):c.634G>T (p.Ala212Ser)

Gene: MUTYH (mutY DNA glycosylase; minus strand). Cytogenetic location: 1p34.1.
Variant type: single nucleotide variant.
Coding change: c.634G>T on transcript NM_001048174.2 (MANE Select); coding-DNA position 634, G replaced by T.
Protein change: p.Ala212Ser; replaces alanine 212 with serine.
Molecular consequence: missense variant. On other transcripts: non-coding transcript variant (7).
Genome position (GRCh38, 1-based): chr1:45,332,461, C>A on the plus strand (G>T on the coding strand, the complement: MUTYH is on the minus strand). VCF-style: chr1-45332461-C-A. GRCh37 (hg19) VCF-style: chr1-45798133-C-A.
Other names: c.358G>T, p.Ala120Ser (NM_001293192.2, NM_001293196.2, NM_001407091.1); c.634G>T, p.Ala212Ser (NM_001293195.2, NM_001407070.1, NM_001407072.1 and 6 more transcripts); c.289G>T, p.Ala97Ser (NM_001350650.2, NM_001350651.2, NM_001407082.1); c.667G>T, p.Ala223Ser (NM_001407069.1, NM_001293191.2, NM_001407077.1); c.637G>T, p.Ala213Ser (NM_001407071.1, NM_001407086.1, NM_001048172.2 and 1 more transcripts); c.655G>T, p.Ala219Ser (NM_001407087.1); c.709G>T, p.Ala237Ser (NM_012222.3); c.718G>T, p.Ala240Ser (NM_001128425.2); and 5 more; short protein forms A198S, A212S, A213S, A227S, A237S, A97S, A199S, A226S.
Identifiers: ClinVar variation 4113802 (VCV004113802.1).